The following is an entry in ClinVar:

NM_006796.3(AFG3L2):c.400-14C>G

Gene: AFG3L2 (AFG3 like matrix AAA peptidase subunit 2; minus strand). Cytogenetic location: 18p11.21.
Variant type: single nucleotide variant.
Coding change: c.400-14C>G on transcript NM_006796.3 (MANE Select); 14 bases into the intron before coding-DNA position 400, C replaced by G.
Molecular consequence: intron variant.
Genome position (GRCh38, 1-based): chr18:12,367,131, G>C on the plus strand (C>G on the coding strand, the complement: AFG3L2 is on the minus strand). VCF-style: chr18-12367131-G-C. GRCh37 (hg19) VCF-style: chr18-12367130-G-C.
Identifiers: ClinVar variation 326109 (VCV000326109.16), dbSNP rs192002414, ClinGen allele CA8896741.

ClinVar aggregate classification (germline): Benign/Likely benign. Review status: criteria provided, multiple submitters, no conflicts (2 of 4 stars). 5 submissions from 5 submitters: Benign (4); Likely benign (1). Last evaluated 2026-01-27.

Conditions:
Spinocerebellar ataxia type 28 (SCA28). Also called: Spinocerebellar Ataxia Type 28 (SCA28). Identifiers: Orphanet 101109, MedGen C1853249, MONDO:0012450, OMIM 610246.

Allele frequency attached by ClinVar (database versions not stated): 1000 Genomes Project 0.00060; 1000 Genomes Project 30x 0.00062; gnomAD 0.00088 and 0.00092; ExAC 0.00091; TOPMed 0.00099; gnomAD exomes 0.00107 and 0.00139; ESP Exome Variant Server 0.00123.

Submissions (11):

Labcorp Genetics (formerly Invitae), Labcorp
Classification: Benign. Last evaluated: 2026-01-27. Review status: criteria provided, single submitter. Criteria: Invitae Variant Classification Sherloc (09022015). Collection method: clinical testing. Allele origin: germline.

Blueprint Genetics
Classification: Likely benign. Last evaluated: 2024-11-26. Review status: criteria provided, single submitter. Criteria: ACMG Guidelines, 2015. Collection method: clinical testing. Allele origin: germline.

Illumina Laboratory Services, Illumina
Classification: Benign for Spinocerebellar ataxia type 28. Last evaluated: 2018-01-12. Review status: criteria provided, single submitter. Criteria: ICSL Variant Classification Criteria 13 December 2019. Collection method: clinical testing. Allele origin: germline.
Comment: This variant was observed in the ICSL laboratory as part of a predisposition screen in an ostensibly healthy population. It had not been previously curated by ICSL or reported in the Human Gene Mutation Database (HGMD: prior to June 1st, 2018), and was therefore a candidate for classification through an automated scoring system. Utilizing variant allele frequency, disease prevalence and penetrance estimates, and inheritance mode, an automated score was calculated to assess if this variant is too frequent to cause the disease. Based on the score and internal cut-off values, a variant classified as benign is not then subjected to further curation. The score for this variant resulted in a classification of benign for this disease.

GeneDx
Classification: Benign. Last evaluated: 2015-03-03. Review status: criteria provided, single submitter. Criteria: GeneDx Variant Classification Process June 2021. Collection method: clinical testing. Allele origin: germline. Affected: yes.

Breakthrough Genomics
Classification: Benign. Review status: criteria provided, single submitter. Criteria: ACMG Guidelines, 2015. Collection method: not provided. Allele origin: germline. Inheritance: Autosomal recessive inheritance. Affected: yes.

Dr. Peter K. Rogan Lab, Western University
No classification provided (evidence only). Condition: Lung cancer. Review status: no classification provided. Collection method: in vitro. Allele origin: not applicable. Functional consequence: retained intron. Not counted in ClinVar's aggregate classification.

Dr. Peter K. Rogan Lab, Western University
No classification provided (evidence only). Condition: Lung cancer. Review status: no classification provided. Collection method: in vitro. Allele origin: not applicable. Functional consequence: retained intron. Not counted in ClinVar's aggregate classification.

Dr. Peter K. Rogan Lab, Western University
No classification provided (evidence only). Condition: Cervical cancer. Review status: no classification provided. Collection method: in vitro. Allele origin: not applicable. Functional consequence: retained intron. Not counted in ClinVar's aggregate classification.

Dr. Peter K. Rogan Lab, Western University
No classification provided (evidence only). Condition: Ovarian serous cystadenocarcinoma. Review status: no classification provided. Collection method: in vitro. Allele origin: not applicable. Functional consequence: retained intron. Not counted in ClinVar's aggregate classification.

Dr. Peter K. Rogan Lab, Western University
No classification provided (evidence only). Condition: Ovarian serous cystadenocarcinoma. Review status: no classification provided. Collection method: in vitro. Allele origin: not applicable. Functional consequence: retained intron. Not counted in ClinVar's aggregate classification.

Dr. Peter K. Rogan Lab, Western University
No classification provided (evidence only). Condition: Uterine carcinosarcoma. Review status: no classification provided. Collection method: in vitro. Allele origin: not applicable. Functional consequence: retained intron. Not counted in ClinVar's aggregate classification.